The following is an entry in ClinVar:

NM_000701.8(ATP1A1):c.522T>C (p.Asn174=)

Gene: ATP1A1 (ATPase Na+/K+ transporting subunit alpha 1; plus strand). Cytogenetic location: 1p13.1.
Variant type: single nucleotide variant.
Coding change: c.522T>C on transcript NM_000701.8 (MANE Select); coding-DNA position 522, T replaced by C.
Protein change: p.Asn174=; no amino-acid change (asparagine 174 retained).
Molecular consequence: synonymous variant.
Genome position (GRCh38, 1-based): chr1:116,388,658, T>C. VCF-style: chr1-116388658-T-C. GRCh37 (hg19) VCF-style: chr1-116931280-T-C.
Other names: c.522T>C, p.Asn174= (NM_001160233.2); c.429T>C, p.Asn143= (NM_001160234.2).
Identifiers: ClinVar variation 1543352 (VCV001543352.32), dbSNP rs745700198, ClinGen allele CA1025140.

ClinVar aggregate classification (germline): Likely benign. Review status: criteria provided, multiple submitters, no conflicts (2 of 4 stars). 3 submissions from 3 submitters: Likely benign (3). Last evaluated 2025-11-18.

Allele frequency attached by ClinVar (database versions not stated): TOPMed below 0.00001; ExAC 0.00002; gnomAD 0.00002; gnomAD exomes 0.00002.

Submissions (3):

Labcorp Genetics (formerly Invitae), Labcorp
Classification: Likely benign. Last evaluated: 2025-11-18. Review status: criteria provided, single submitter. Criteria: Invitae Variant Classification Sherloc (09022015). Collection method: clinical testing. Allele origin: germline.

Blueprint Genetics
Classification: Likely benign. Last evaluated: 2024-09-01. Review status: criteria provided, single submitter. Criteria: ACMG Guidelines, 2015. Collection method: clinical testing. Allele origin: germline.

CeGaT Center for Human Genetics Tuebingen
Classification: Likely benign. Last evaluated: 2024-07-01. Review status: criteria provided, single submitter. Criteria: CeGaT Center For Human Genetics Tuebingen Variant Classification Criteria Version 2. Collection method: clinical testing. Allele origin: germline. Affected: yes. Observed: 2 variant alleles.
Comment: ATP1A1: BP4, BP7